The following is an entry in ClinVar:

ClinVar aggregate classification (germline): Uncertain significance (1 of 4 stars; one submission).

Allele frequency attached by ClinVar (database versions not stated): gnomAD exomes below 0.00001.

Submission:

Labcorp Genetics (formerly Invitae), Labcorp
Classification: Uncertain significance. Last evaluated: 2022-05-29. Review status: criteria provided, single submitter. Criteria: Invitae Variant Classification Sherloc (09022015). Collection method: clinical testing. Allele origin: germline.
Comment: This sequence change falls in intron 14 of the MICAL1 gene. It does not directly change the encoded amino acid sequence of the MICAL1 protein. It affects a nucleotide within the consensus splice site. This variant is not present in population databases (gnomAD no frequency). This variant has not been reported in the literature in individuals affected with MICAL1-related conditions. Variants that disrupt the consensus splice site are a relatively common cause of aberrant splicing (PMID: 17576681, 9536098). Algorithms developed to predict the effect of sequence changes on RNA splicing suggest that this variant may create or strengthen a splice site. In summary, the available evidence is currently insufficient to determine the role of this variant in disease. Therefore, it has been classified as a Variant of Uncertain Significance.

Literature cited by the submitters: PubMed 17576681; PubMed 9536098.

NM_022765.4(MICAL1):c.1944+5A>G

Gene: MICAL1 (microtubule associated monooxygenase, calponin and LIM domain containing 1; minus strand). Cytogenetic location: 6q21.
Variant type: single nucleotide variant.
Coding change: c.1944+5A>G on transcript NM_022765.4 (MANE Select); 5 bases into the intron after coding-DNA position 1944, A replaced by G.
Molecular consequence: intron variant.
Genome position (GRCh38, 1-based): chr6:109,447,870, T>C on the plus strand (A>G on the coding strand, the complement: MICAL1 is on the minus strand). VCF-style: chr6-109447870-T-C. GRCh37 (hg19) VCF-style: chr6-109769073-T-C.
Other names: c.2001+5A>G (NM_001286613.2); c.1686+5A>G (NM_001159291.2).
Identifiers: ClinVar variation 2000228 (VCV002000228.4), dbSNP rs2482783830, ClinGen allele CA2580074763.